The following is an entry in ClinVar:

NM_001164508.2(NEB):c.18310G>T (p.Val6104Leu)

Gene: NEB (nebulin; minus strand). Cytogenetic location: 2q23.3.
Variant type: single nucleotide variant.
Coding change: c.18310G>T on transcript NM_001164508.2 (MANE Select); coding-DNA position 18310, G replaced by T.
Protein change: p.Val6104Leu; replaces valine 6104 with leucine.
Molecular consequence: missense variant.
Genome position (GRCh38, 1-based): chr2:151,565,557, C>A on the plus strand (G>T on the coding strand, the complement: NEB is on the minus strand). VCF-style: chr2-151565557-C-A. GRCh37 (hg19) VCF-style: chr2-152422071-C-A.
Other names: c.18310G>T, p.Val6104Leu (NM_001164507.2, NM_001271208.2); c.13207G>T, p.Val4403Leu (NM_004543.5); short protein forms V6104L, V4403L.
Identifiers: ClinVar variation 2071022 (VCV002071022.1), dbSNP rs1253544291, ClinGen allele CA348801261.

ClinVar aggregate classification (germline): Uncertain significance (1 of 4 stars; one submission).

Conditions:
Nemaline myopathy 2 (NEM2). Also called: Nemaline myopathy 2, autosomal recessive. Identifiers: MedGen C1850569, MONDO:0009725, OMIM 256030.

gnomAD v4.1: 1 of 1,603,404 alleles (0.000062%); no homozygotes.

Submission:

Labcorp Genetics (formerly Invitae), Labcorp
Classification: Uncertain significance for Nemaline myopathy 2. Last evaluated: 2022-06-01. Review status: criteria provided, single submitter. Criteria: Invitae Variant Classification Sherloc (09022015). Collection method: clinical testing. Allele origin: germline.
Comment: This sequence change replaces valine, which is neutral and non-polar, with leucine, which is neutral and non-polar, at codon 6104 of the NEB protein (p.Val6104Leu). This variant is not present in population databases (gnomAD no frequency). This variant has not been reported in the literature in individuals affected with NEB-related conditions. Algorithms developed to predict the effect of missense changes on protein structure and function are either unavailable or do not agree on the potential impact of this missense change (SIFT: "Deleterious"; PolyPhen-2: "Not Available"; Align-GVGD: "Class C0"). In summary, the available evidence is currently insufficient to determine the role of this variant in disease. Therefore, it has been classified as a Variant of Uncertain Significance.